The following is an entry in ClinVar:

ClinVar aggregate classification (germline): Uncertain significance (1 of 4 stars; one submission).

Allele frequency attached by ClinVar (database versions not stated): ExAC 0.00001.
gnomAD v4.1: 2 of 1,613,874 alleles (0.00012%); highest among the groups gnomAD compares: Non-Finnish European, 0.00017%; no homozygotes.

Submission:

CeGaT Center for Human Genetics Tuebingen
Classification: Uncertain significance. Last evaluated: 2022-08-01. Review status: criteria provided, single submitter. Criteria: CeGaT Center For Human Genetics Tuebingen Variant Classification Criteria Version 2. Collection method: clinical testing. Allele origin: germline. Affected: yes. Observed: 1 variant allele.
Comment: TMEM231: PM2, BP4, BP7

NM_001077418.3(TMEM231):c.648C>G (p.Ala216=)

Gene: TMEM231 (transmembrane protein 231; minus strand). Cytogenetic location: 16q23.1.
Variant type: single nucleotide variant.
Coding change: c.648C>G on transcript NM_001077418.3 (MANE Select); coding-DNA position 648, C replaced by G.
Protein change: p.Ala216=; no amino-acid change (alanine 216 retained).
Molecular consequence: synonymous variant. On other transcripts: non-coding transcript variant (1).
Genome position (GRCh38, 1-based): chr16:75,542,618, G>C on the plus strand (C>G on the coding strand, the complement: TMEM231 is on the minus strand). VCF-style: chr16-75542618-G-C. GRCh37 (hg19) VCF-style: chr16-75576516-G-C.
Other names: c.807C>G, p.Ala269= (NM_001077416.2).
Identifiers: ClinVar variation 2646877 (VCV002646877.23), dbSNP rs759173235, ClinGen allele CA8176102.